The following is an entry in ClinVar:

ClinVar aggregate classification (germline): Conflicting classifications of pathogenicity. Review status: criteria provided, conflicting classifications (1 of 4 stars). 3 submissions from 2 submitters: Uncertain significance (1); Benign (1); Likely benign (1). Last evaluated 2022-10-01.

Conditions:
Dilated cardiomyopathy 1U. Identifiers: Orphanet 154, MedGen C3160720, MONDO:0013371, OMIM 613694.
Alzheimer disease 3 (AD3). Also called: ALZHEIMER DISEASE, FAMILIAL, 3. Identifiers: Orphanet 1020, MedGen C1843013, MONDO:0011913, OMIM 607822.

Allele frequency attached by ClinVar (database versions not stated): 1000 Genomes Project 0.00120; 1000 Genomes Project 30x 0.00156; TOPMed 0.00193; gnomAD 0.00216 and 0.00220.

Submissions (3):

CeGaT Center for Human Genetics Tuebingen
Classification: Benign. Last evaluated: 2022-10-01. Review status: criteria provided, single submitter. Criteria: CeGaT Center For Human Genetics Tuebingen Variant Classification Criteria Version 2. Collection method: clinical testing. Allele origin: germline. Affected: yes. Observed: 2 variant alleles.
Comment: PSEN1: BS1, BS2

Illumina Laboratory Services, Illumina
Classification: Uncertain significance for Dilated cardiomyopathy 1U. Last evaluated: 2018-01-13. Review status: criteria provided, single submitter. Criteria: ICSL Variant Classification Criteria 13 December 2019. Collection method: clinical testing. Allele origin: germline.

Illumina Laboratory Services, Illumina
Classification: Likely benign for Alzheimer disease 3. Last evaluated: 2018-01-13. Review status: criteria provided, single submitter. Criteria: ICSL Variant Classification Criteria 13 December 2019. Collection method: clinical testing. Allele origin: germline.
Comment: This variant was observed in the ICSL laboratory as part of a predisposition screen in an ostensibly healthy population. It had not been previously curated by ICSL or reported in the Human Gene Mutation Database (HGMD: prior to June 1st, 2018), and was therefore a candidate for classification through an automated scoring system. Utilizing variant allele frequency, disease prevalence and penetrance estimates, and inheritance mode, an automated score was calculated to assess if this variant is too frequent to cause the disease. Based on the score and internal cut-off values, a variant classified as likely benign is not then subjected to further curation. The score for this variant resulted in a classification of likely benign for this disease.

NM_000021.4(PSEN1):c.*3495A>G

Gene: PSEN1 (presenilin 1; plus strand). Cytogenetic location: 14q24.2.
Variant type: single nucleotide variant.
Coding change: c.*3495A>G on transcript NM_000021.4 (MANE Select); 3495 bases downstream of the stop codon, A replaced by G.
Molecular consequence: 3 prime UTR variant.
Genome position (GRCh38, 1-based): chr14:73,222,784, A>G. VCF-style: chr14-73222784-A-G. GRCh37 (hg19) VCF-style: chr14-73689492-A-G.
Other names: c.*3495A>G (NM_007318.3).
Identifiers: ClinVar variation 313995 (VCV000313995.36), dbSNP rs141799841, ClinGen allele CA10635178.
Genomic context (GRCh38, chr14:73,222,784, plus strand): 5'-GTATTTGTCAAATAACCACTTTTAACAGTTACCATTACTGAGGGCTTATACATTGGTGTT[A>G]TAAAAGTGACTTGATTCAGAAATCAATCCATTCAGTAAAGTACTCCTTCTCTAAATTTGC-3'